The following is an entry in ClinVar:

NM_005612.5(REST):c.425C>G (p.Pro142Arg)

Gene: REST (RE1 silencing transcription factor; plus strand). Cytogenetic location: 4q12.
Variant type: single nucleotide variant.
Coding change: c.425C>G on transcript NM_005612.5 (MANE Select); coding-DNA position 425, C replaced by G.
Protein change: p.Pro142Arg; replaces proline 142 with arginine.
Molecular consequence: missense variant.
Genome position (GRCh38, 1-based): chr4:56,911,063, C>G. VCF-style: chr4-56911063-C-G. GRCh37 (hg19) VCF-style: chr4-57777229-C-G.
Other names: c.425C>G, p.Pro142Arg (NM_001193508.2, NM_001363453.3); short protein forms P142R.
Identifiers: ClinVar variation 1421995 (VCV001421995.9), dbSNP rs763563599, ClinGen allele CA2932103.

ClinVar aggregate classification (germline): Uncertain significance. Review status: criteria provided, multiple submitters, no conflicts (2 of 4 stars). 2 submissions from 2 submitters: Uncertain significance (2). Last evaluated 2025-03-22.

Conditions:
Inborn genetic diseases. Identifiers: MedGen C0950123, MeSH D030342.

Allele frequency attached by ClinVar (database versions not stated): ExAC 0.00001; gnomAD exomes 0.00001; TOPMed 0.00001; gnomAD 0.00003.
gnomAD v4.1: 36 of 1,613,974 alleles (0.0022%); highest among the groups gnomAD compares: African/African-American, 0.004%; no homozygotes.

Submissions (2):

Ambry Genetics
Classification: Uncertain significance for Inborn genetic diseases. Last evaluated: 2025-03-22. Review status: criteria provided, single submitter. Criteria: Ambry Variant Classification Scheme 2023. Collection method: clinical testing. Allele origin: germline.

Labcorp Genetics (formerly Invitae), Labcorp
Classification: Uncertain significance. Last evaluated: 2024-11-27. Review status: criteria provided, single submitter. Criteria: Invitae Variant Classification Sherloc (09022015). Collection method: clinical testing. Allele origin: germline.
Comment: This sequence change replaces proline, which is neutral and non-polar, with arginine, which is basic and polar, at codon 142 of the REST protein (p.Pro142Arg). This variant is present in population databases (rs763563599, gnomAD 0.004%). This variant has not been reported in the literature in individuals affected with REST-related conditions. ClinVar contains an entry for this variant (Variation ID: 1421995). An algorithm developed to predict the effect of missense changes on protein structure and function outputs the following: PolyPhen-2: "Benign". The arginine amino acid residue is found in multiple mammalian species, which suggests that this missense change does not adversely affect protein function. In summary, the available evidence is currently insufficient to determine the role of this variant in disease. Therefore, it has been classified as a Variant of Uncertain Significance.